The following is an entry in ClinVar:

ClinVar aggregate classification (germline): Conflicting classifications of pathogenicity. Review status: criteria provided, conflicting classifications (1 of 4 stars). 2 submissions from 2 submitters: Uncertain significance (1); Likely benign (1). Last evaluated 2025-12-19.

Conditions:
Early onset severe obesity. Identifiers: MedGen C4013980.

gnomAD v4.1: 13 of 1,571,032 alleles (0.00083%); highest among the groups gnomAD compares: African/African-American, 0.0028%; no homozygotes.

Submissions (2):

Labcorp Genetics (formerly Invitae), Labcorp
Classification: Uncertain significance. Last evaluated: 2025-12-19. Review status: criteria provided, single submitter. Criteria: Invitae Variant Classification Sherloc (09022015). Collection method: clinical testing. Allele origin: germline.
Comment: This sequence change replaces arginine, which is basic and polar, with histidine, which is basic and polar, at codon 1310 of the PHIP protein (p.Arg1310His). The frequency data for this variant in the population databases is considered unreliable, as metrics indicate poor data quality at this position in the gnomAD database. This missense change has been observed in individual(s) with PHIP-related conditions (PMID: 33004838). ClinVar contains an entry for this variant (Variation ID: 3700812). Invitae Evidence Modeling of protein sequence and biophysical properties (such as structural, functional, and spatial information, amino acid conservation, physicochemical variation, residue mobility, and thermodynamic stability) indicates that this missense variant is not expected to disrupt PHIP protein function with a negative predictive value of 95%. In summary, the available evidence is currently insufficient to determine the role of this variant in disease. Therefore, it has been classified as a Variant of Uncertain Significance.

Cambridge Genomics Laboratory, East Genomic Laboratory Hub, NHS Genomic Medicine Service
Classification: Likely benign for Severe early-onset obesity. Last evaluated: 2025-08-01. Review status: criteria provided, single submitter. Criteria: ACGS Best Practice Guidelines for Variant Classification in Rare Disease 2020. Collection method: clinical testing. Allele origin: germline. Affected: yes.
Comment: BS1_Strong,BP4

Literature cited by the submitters: PubMed 33004838 (cited by Labcorp Genetics (formerly Invitae), Labcorp).

NM_017934.7(PHIP):c.3929G>A (p.Arg1310His)

Genes: IRAK1BP1 (interleukin 1 receptor associated kinase 1 binding protein 1; plus strand), PHIP (PHIP subunit of CUL4-Ring ligase complex; minus strand). Cytogenetic location: 6q14.1.
Variant type: single nucleotide variant.
Coding change: c.3929G>A on transcript NM_017934.7 (MANE Select); coding-DNA position 3929, G replaced by A.
Protein change: p.Arg1310His; replaces arginine 1310 with histidine.
Molecular consequence: missense variant.
Genome position (GRCh38, 1-based): chr6:78,954,938, C>T on the plus strand (G>A on the coding strand, the complement: PHIP is on the minus strand). VCF-style: chr6-78954938-C-T. GRCh37 (hg19) VCF-style: chr6-79664655-C-T.
Other names: short protein forms R1310H.
Identifiers: ClinVar variation 3700812 (VCV003700812.3).